The following is an entry in ClinVar:

ClinVar aggregate classification (germline): Pathogenic (1 of 4 stars; one submission).

Conditions:
Carnitine palmitoyltransferase II deficiency. Also called: Carnitine Palmitoyltransferase 2 Deficiency. Identifiers: Orphanet 157, MedGen C0342790, MONDO:0015515.

Submission:

Labcorp Genetics (formerly Invitae), Labcorp
Classification: Pathogenic for Carnitine palmitoyltransferase II deficiency. Last evaluated: 2024-08-27. Review status: criteria provided, single submitter. Criteria: Invitae Variant Classification Sherloc (09022015). Collection method: clinical testing. Allele origin: germline.
Comment: This sequence change creates a premature translational stop signal (p.Val100Leufs*30) in the CPT2 gene. It is expected to result in an absent or disrupted protein product. Loss-of-function variants in CPT2 are known to be pathogenic (PMID: 16781677, 16996287). This variant is not present in population databases (gnomAD no frequency). This premature translational stop signal has been observed in individual(s) with autosomal recessive carnitine palmitoyltransferase II deficiency (PMID: 36109795). For these reasons, this variant has been classified as Pathogenic.

Literature cited by the submitters: PubMed 16781677; PubMed 16996287; PubMed 36109795.

NM_000098.3(CPT2):c.298del (p.Val100fs)

Gene: CPT2 (carnitine palmitoyltransferase 2; plus strand). Cytogenetic location: 1p32.3.
Variant type: Deletion.
Coding change: c.298del on transcript NM_000098.3 (MANE Select); coding-DNA position 298, one base deleted (G; older notation c.298delG).
Protein change: p.Val100fs; shifts the reading frame from valine 100.
Molecular consequence: frameshift variant.
Genome position (GRCh38, 1-based): chr1:53,202,387, G deleted; the last of 2 consecutive G bases (chr1:53,202,386-53,202,387); deleting either gives the same sequence. VCF-style (leftmost placement, unchanged base first): chr1-53202385-TG-T. GRCh37 (hg19) VCF-style: chr1-53668057-TG-T.
Other names: c.298del, p.Val100fs (NM_001330589.2); short protein forms V100fs.
Identifiers: ClinVar variation 2975767 (VCV002975767.3), dbSNP rs1645359406, ClinGen allele CA1001799475.